The following is an entry in ClinVar:

NM_198253.3(TERT):c.518C>G (p.Pro173Arg)

Gene: TERT (telomerase reverse transcriptase; minus strand). Cytogenetic location: 5p15.33.
Variant type: single nucleotide variant.
Coding change: c.518C>G on transcript NM_198253.3 (MANE Select); coding-DNA position 518, C replaced by G.
Protein change: p.Pro173Arg; replaces proline 173 with arginine.
Molecular consequence: missense variant. On other transcripts: non-coding transcript variant (2).
Genome position (GRCh38, 1-based): chr5:1,294,368, G>C on the plus strand (C>G on the coding strand, the complement: TERT is on the minus strand). VCF-style: chr5-1294368-G-C. GRCh37 (hg19) VCF-style: chr5-1294483-G-C.
Other names: c.518C>G, p.Pro173Arg (NM_001193376.3, NM_003219.1); short protein forms P173R.
Identifiers: ClinVar variation 2949891 (VCV002949891.3), dbSNP rs2478426429, ClinGen allele CA359057803.
Genomic context (GRCh38, chr5:1,294,368, plus strand): 5'-GGTCCACTAGCGTGTGGCGGGGGCCGGGCCTGAGTGGCAGCGCCGAGCTGGTACAGCGGC[G>C]GCCCGCACACCTGGTAGGCGCAGCTGGGAGCCACCAGCACAAAGAGCGCGCAGCGTGCCA-3'
Protein context (NP_937983.2, residues 163-183): APSCAYQVCG[Pro173Arg]PLYQLGAATQ

ClinVar aggregate classification (germline): Uncertain significance (1 of 4 stars; one submission).

Conditions:
Idiopathic Pulmonary Fibrosis. Also called: Idiopathic fibrosing alveolitis, chronic form; idiopathic fibrosing alveolitis. Identifiers: Orphanet 2032, MedGen C1800706, MeSH D054990, MONDO:0800504.
Dyskeratosis congenita, autosomal dominant 2. Identifiers: MedGen C3151443, MONDO:0013521, OMIM 613989.

Submission:

Labcorp Genetics (formerly Invitae), Labcorp
Classification: Uncertain significance for Dyskeratosis congenita, autosomal dominant 2; Idiopathic Pulmonary Fibrosis. Last evaluated: 2023-07-16. Review status: criteria provided, single submitter. Criteria: Invitae Variant Classification Sherloc (09022015). Collection method: clinical testing. Allele origin: germline.
Comment: In summary, the available evidence is currently insufficient to determine the role of this variant in disease. Therefore, it has been classified as a Variant of Uncertain Significance. This sequence change replaces proline, which is neutral and non-polar, with arginine, which is basic and polar, at codon 173 of the TERT protein (p.Pro173Arg). This variant is not present in population databases (gnomAD no frequency). This variant has not been reported in the literature in individuals affected with TERT-related conditions. Advanced modeling of protein sequence and biophysical properties (such as structural, functional, and spatial information, amino acid conservation, physicochemical variation, residue mobility, and thermodynamic stability) has been performed at Invitae for this missense variant, however the output from this modeling did not meet the statistical confidence thresholds required to predict the impact of this variant on TERT protein function.